The following is an entry in ClinVar:

ClinVar aggregate classification (germline): Uncertain significance (1 of 4 stars; one submission).

Submission:

GeneDx
Classification: Uncertain significance. Last evaluated: 2025-04-25. Review status: criteria provided, single submitter. Criteria: GeneDx Variant Classification Process June 2021. Collection method: clinical testing. Allele origin: germline. Affected: yes.
Comment: Not observed at significant frequency in large population cohorts (gnomAD); In silico analysis supports that this missense variant has a deleterious effect on protein structure/function; Has not been previously published as pathogenic or benign to our knowledge

NM_007118.4(TRIO):c.1597G>A (p.Ala533Thr)

Gene: TRIO (trio Rho guanine nucleotide exchange factor; plus strand). Cytogenetic location: 5p15.2.
Variant type: single nucleotide variant.
Coding change: c.1597G>A on transcript NM_007118.4 (MANE Select); coding-DNA position 1597, G replaced by A.
Protein change: p.Ala533Thr; replaces alanine 533 with threonine.
Molecular consequence: missense variant. On other transcripts: non-coding transcript variant (1).
Genome position (GRCh38, 1-based): chr5:14,316,609, G>A. VCF-style: chr5-14316609-G-A. GRCh37 (hg19) VCF-style: chr5-14316718-G-A.
Other names: short protein forms A533T.
Identifiers: ClinVar variation 4527184 (VCV004527184.1).
Genomic context (GRCh38, chr5:14,316,609, plus strand): 5'-CAGCGGCCCTTGACTCCCGGCAGCTCCGATTCCCTGACAGCCTCTGCCAACTACTCCAAG[G>A]CCGTGCACCATGTCCTGGATGTCATCCACGAGGTGCTGCACCACCAGCGGCAGCTGGAGA-3'
Protein context (NP_009049.2, residues 523-543): SLTASANYSK[Ala533Thr]VHHVLDVIHE